The following is an entry in ClinVar:

NM_001009944.3(PKD1):c.7236del (p.Asn2412fs)

Gene: PKD1 (polycystin 1, transient receptor potential channel interacting; minus strand). Cytogenetic location: 16p13.3.
Variant type: Deletion.
Coding change: c.7236del on transcript NM_001009944.3 (MANE Select); coding-DNA position 7236, one base deleted (C; older notation c.7236delC).
Protein change: p.Asn2412fs; shifts the reading frame from asparagine 2412.
Molecular consequence: frameshift variant.
Genome position (GRCh38, 1-based): chr16:2,106,651, G deleted on the plus strand (C on the coding strand, the reverse complement: PKD1 is on the minus strand). VCF-style (leftmost placement, unchanged base first): chr16-2106650-TG-T. GRCh37 (hg19) VCF-style: chr16-2156651-TG-T.
Other names: c.7236del, p.Asn2412fs (NM_000296.4); short protein forms N2412fs.
Identifiers: ClinVar variation 3382497 (VCV003382497.2).
Genomic context (GRCh38, chr16:2,106,650, plus strand): 5'-GCACCAGTCGCATGCCTGCACTGCCCGTGGATGTGGTGGTCTCATCCAGCACCAGCGTCT[TG>T]TTGCTGAACGTACGTGCAGCCCACCGCTGCAGGCAGAAGGGGTGGTGAGGGGGCGCAACC-3'

ClinVar aggregate classification (germline): Pathogenic (1 of 4 stars; one submission).

Conditions:
Polycystic kidney disease, adult type (PKD1). Also called: POLYCYSTIC KIDNEY DISEASE, ADULT, TYPE I; Polycystic Kidney Disease 1, Autosomal Dominant; Polycystic kidney disease 1; Polycystic kidney disease 1, severe; Polycystic Kidney, Autosomal Dominant; POLYCYSTIC KIDNEY DISEASE 1 WITH OR WITHOUT POLYCYSTIC LIVER DISEASE. Identifiers: MedGen C3149841, MONDO:0008263, OMIM 173900.

Submission:

Juno Genomics, Hangzhou Juno Genomics, Inc
Classification: Pathogenic for Polycystic kidney disease, adult type. Review status: criteria provided, single submitter. Criteria: ACMG Guidelines, 2015. Collection method: clinical testing. Allele origin: germline. Affected: yes.
Comment: Absent from controls (or at extremely low frequency if recessive) in Genome Aggregation Database, Exome Sequencing Project, 1000 Genomes Project, or Exome Aggregation Consortium.;Null variant in a gene where loss of function (LOF) is a known mechanism of disease.;Patient's phenotype or family history is highly specific for a disease with a single genetic etiology.